The following is an entry in ClinVar:

ClinVar aggregate classification (germline): Uncertain significance. Review status: criteria provided, multiple submitters, no conflicts (2 of 4 stars). 2 submissions from 2 submitters: Uncertain significance (2). Last evaluated 2025-07-22.

Conditions:
Cardiovascular phenotype. Identifiers: MedGen CN230736.
Dilated cardiomyopathy 1W (CMD1W). Identifiers: Orphanet 154, MedGen C1969639, MONDO:0012667, OMIM 611407.

Allele frequency attached by ClinVar (database versions not stated): TOPMed 0.00002; ESP Exome Variant Server 0.00008.
gnomAD v4.1: 12 of 1,613,972 alleles (0.00074%); highest among the groups gnomAD compares: African/African-American, 0.0013%; no homozygotes.

Submissions (2):

Ambry Genetics
Classification: Uncertain significance for Cardiovascular phenotype. Last evaluated: 2025-07-22. Review status: criteria provided, single submitter. Criteria: Ambry Variant Classification Scheme 2023. Collection method: clinical testing. Allele origin: germline.
Comment: The p.R372H variant (also known as c.1115G>A), located in coding exon 9 of the VCL gene, results from a G to A substitution at nucleotide position 1115. The arginine at codon 372 is replaced by histidine, an amino acid with highly similar properties. This amino acid position is conserved. In addition, this alteration is predicted to be tolerated by in silico analysis. Since supporting evidence is limited at this time, the clinical significance of this alteration remains unclear.

Labcorp Genetics (formerly Invitae), Labcorp
Classification: Uncertain significance for Dilated cardiomyopathy 1W. Last evaluated: 2024-12-25. Review status: criteria provided, single submitter. Criteria: Invitae Variant Classification Sherloc (09022015). Collection method: clinical testing. Allele origin: germline.
Comment: This sequence change replaces arginine, which is basic and polar, with histidine, which is basic and polar, at codon 372 of the VCL protein (p.Arg372His). This variant is not present in population databases (gnomAD no frequency). This missense change has been observed in individual(s) with VCL-related conditions (PMID: 35352813). ClinVar contains an entry for this variant (Variation ID: 240875). An algorithm developed to predict the effect of missense changes on protein structure and function (PolyPhen-2) suggests that this variant is likely to be tolerated. In summary, the available evidence is currently insufficient to determine the role of this variant in disease. Therefore, it has been classified as a Variant of Uncertain Significance.

Literature cited by the submitters: PubMed 35352813 (cited by Labcorp Genetics (formerly Invitae), Labcorp).

NM_014000.3(VCL):c.1115G>A (p.Arg372His)

Gene: VCL (vinculin; plus strand). Cytogenetic location: 10q22.2.
Variant type: single nucleotide variant.
Coding change: c.1115G>A on transcript NM_014000.3 (MANE Select); coding-DNA position 1115, G replaced by A.
Protein change: p.Arg372His; replaces arginine 372 with histidine.
Molecular consequence: missense variant.
Genome position (GRCh38, 1-based): chr10:74,089,288, G>A. VCF-style: chr10-74089288-G-A. GRCh37 (hg19) VCF-style: chr10-75849046-G-A.
Other names: c.1115G>A, p.Arg372His (NM_003373.4); short protein forms R372H.
Identifiers: ClinVar variation 240875 (VCV000240875.11), dbSNP rs377289804, ClinGen allele CA10582733.
Genomic context (GRCh38, chr10:74,089,288, plus strand): 5'-AAGCTCAGCAGGTATCTCAGGGTCTGGATGTGCTCACAGCAAAAGTGGAAAATGCAGCTC[G>A]CAAGCTGGAAGCCATGACCAACTCAAAGCAGAGCATTGCAAAGAAGATCGATGCTGCTCA-3'
Protein context (NP_054706.1, residues 362-382): VLTAKVENAA[Arg372His]KLEAMTNSKQ